The following is an entry in ClinVar:

ClinVar aggregate classification (germline): Uncertain significance (1 of 4 stars; one submission).

gnomAD v4.1: 3 of 1,612,804 alleles (0.00019%); highest among the groups gnomAD compares: African/African-American, 0.0027%; no homozygotes.

Submission:

Women's Health and Genetics/Laboratory Corporation of America, LabCorp
Classification: Uncertain significance. Last evaluated: 2025-12-09. Review status: criteria provided, single submitter. Criteria: LabCorp Variant Classification Summary - May 2015. Collection method: clinical testing. Allele origin: germline.
Comment: Variant summary: TUBGCP6 c.3900C>A (p.His1300Gln) results in a non-conservative amino acid change in the encoded protein sequence. Algorithms developed to predict the effect of missense changes on protein structure and function are either unavailable or do not agree on the potential impact of this missense change. The variant allele was found at a frequency of 8.1e-06 in 247196 control chromosomes. The available data on variant occurrences in the general population are insufficient to allow any conclusion about variant significance. To our knowledge, no occurrence of c.3900C>A in individuals affected with TUBGCP6-related conditions and no experimental evidence demonstrating its impact on protein function have been reported. No submitters have cited clinical-significance assessments for this variant to ClinVar. Based on the evidence outlined above, the variant was classified as uncertain significance.

NM_020461.4(TUBGCP6):c.3900C>A (p.His1300Gln)

Gene: TUBGCP6 (tubulin gamma complex component 6; minus strand). Cytogenetic location: 22q13.33.
Variant type: single nucleotide variant.
Coding change: c.3900C>A on transcript NM_020461.4 (MANE Select); coding-DNA position 3900, C replaced by A.
Protein change: p.His1300Gln; replaces histidine 1300 with glutamine.
Molecular consequence: missense variant.
Genome position (GRCh38, 1-based): chr22:50,220,459, G>T on the plus strand (C>A on the coding strand, the complement: TUBGCP6 is on the minus strand). VCF-style: chr22-50220459-G-T. GRCh37 (hg19) VCF-style: chr22-50658888-G-T.
Other names: short protein forms H1300Q.
Identifiers: ClinVar variation 4688440 (VCV004688440.1).